The following is an entry in ClinVar:

ClinVar aggregate classification (germline): Benign/Likely benign. Review status: criteria provided, multiple submitters, no conflicts (2 of 4 stars). 16 submissions from 15 submitters: Benign (11); Likely benign (3). 2 of the submissions do not count toward it. Last evaluated 2026-02-02.

Conditions:
Cardiovascular phenotype. Identifiers: MedGen CN230736.
Cardiomyopathy (CMYO). Also called: Cardiomyopathies. Identifiers: Orphanet 167848, MedGen C0878544, MONDO:0004994, HP:0001638. Inheritance: Various modes of inheritance.
Arrhythmogenic right ventricular dysplasia 2. Identifiers: MedGen C1832931.
Catecholaminergic polymorphic ventricular tachycardia (CVPT). Also called: Catecholamine-induced polymorphic ventricular tachycardia. Identifiers: Orphanet 3286, MedGen C5574922, MONDO:0017990.
Catecholaminergic polymorphic ventricular tachycardia 1. Also called: RYR2-Related Catecholaminergic Polymorphic Ventricular Tachycardia; VENTRICULAR TACHYCARDIA, STRESS-INDUCED POLYMORPHIC 1; VENTRICULAR TACHYCARDIA, CATECHOLAMINERGIC POLYMORPHIC, 1, WITH OR WITHOUT ATRIAL DYSFUNCTION AND/OR DILATED CARDIOMYOPATHY. Identifiers: Orphanet 3286, MedGen C1631597, MONDO:0011484, OMIM 604772.

Allele frequency attached by ClinVar (database versions not stated): gnomAD exomes 0.00036 and 0.00076; ExAC 0.00090; 1000 Genomes Project 30x 0.00234; 1000 Genomes Project 0.00280; gnomAD 0.00285 and 0.00308; TOPMed 0.00339; ESP Exome Variant Server 0.00358.
gnomAD v4.1: 984 of 1,613,714 alleles (0.061%); highest among the groups gnomAD compares: African/African-American, 1.1%; 1 homozygote.

Submissions (16):

Labcorp Genetics (formerly Invitae), Labcorp
Classification: Benign for Catecholaminergic polymorphic ventricular tachycardia 1. Last evaluated: 2026-02-02. Review status: criteria provided, single submitter. Criteria: Invitae Variant Classification Sherloc (09022015). Collection method: clinical testing. Allele origin: germline.

ARUP Laboratories, Molecular Genetics and Genomics, ARUP Laboratories
Classification: Benign. Last evaluated: 2025-05-20. Review status: criteria provided, single submitter. Criteria: ARUP Molecular Germline Variant Investigation Process 2024. Collection method: clinical testing. Allele origin: germline.

Molecular Diagnostic Laboratory for Inherited Cardiovascular Disease, Montreal Heart Institute
Classification: Benign. Last evaluated: 2025-04-09. Review status: criteria provided, single submitter. Criteria: ACMG Guidelines, 2015. Collection method: clinical testing. Allele origin: germline. Affected: no.

Blueprint Genetics
Classification: Likely benign. Last evaluated: 2024-10-16. Review status: criteria provided, single submitter. Criteria: ACMG Guidelines, 2015. Collection method: clinical testing. Allele origin: germline.

All of Us Research Program, National Institutes of Health
Classification: Benign for Catecholaminergic polymorphic ventricular tachycardia. Last evaluated: 2024-02-05. Review status: criteria provided, single submitter. Criteria: ACMG Guidelines, 2015. Collection method: clinical testing. Allele origin: germline. Inheritance: Autosomal dominant inheritance. Observed: 175 variant alleles, 174 heterozygotes, 1 homozygote.
Comment: This study involves interpretation of variants in research participants for the purpose of population health screening. Participant phenotype was not available at the time of variant classification. Additional details can be found in publication PMID: 35346344, PMCID: PMC8962531

Mayo Clinic Laboratories, Mayo Clinic
Classification: Likely benign. Last evaluated: 2023-02-03. Review status: criteria provided, single submitter. Criteria: ACMG Guidelines, 2015. Collection method: clinical testing. Allele origin: germline. Observed: 6 variant alleles.
Comment: BS1, BP4, BP7

Color Diagnostics, LLC DBA Color Health
Classification: Benign for Cardiomyopathy. Last evaluated: 2018-10-21. Review status: criteria provided, single submitter. Criteria: ACMG Guidelines, 2015. Collection method: clinical testing. Allele origin: germline.

Illumina Laboratory Services, Illumina
Classification: Likely benign for Catecholaminergic polymorphic ventricular tachycardia 1. Last evaluated: 2018-01-13. Review status: criteria provided, single submitter. Criteria: ICSL Variant Classification Criteria 13 December 2019. Collection method: clinical testing. Allele origin: germline.
Comment: This variant was observed in the ICSL laboratory as part of a predisposition screen in an ostensibly healthy population. It had not been previously curated by ICSL or reported in the Human Gene Mutation Database (HGMD: prior to June 1st, 2018), and was therefore a candidate for classification through an automated scoring system. Utilizing variant allele frequency, disease prevalence and penetrance estimates, and inheritance mode, an automated score was calculated to assess if this variant is too frequent to cause the disease. Based on the score and internal cut-off values, a variant classified as likely benign is not then subjected to further curation. The score for this variant resulted in a classification of likely benign for this disease.

Illumina Laboratory Services, Illumina
Classification: Benign for Catecholaminergic polymorphic ventricular tachycardia 1. Last evaluated: 2018-01-13. Review status: criteria provided, single submitter. Criteria: ICSL Variant Classification Criteria 13 December 2019. Collection method: clinical testing. Allele origin: germline.
Comment: This variant was observed in the ICSL laboratory as part of a predisposition screen in an ostensibly healthy population. It had not been previously curated by ICSL or reported in the Human Gene Mutation Database (HGMD: prior to June 1st, 2018), and was therefore a candidate for classification through an automated scoring system. Utilizing variant allele frequency, disease prevalence and penetrance estimates, and inheritance mode, an automated score was calculated to assess if this variant is too frequent to cause the disease. Based on the score and internal cut-off values, a variant classified as benign is not then subjected to further curation. The score for this variant resulted in a classification of benign for this disease.

Women's Health and Genetics/Laboratory Corporation of America, LabCorp
Classification: Benign. Last evaluated: 2016-08-22. Review status: criteria provided, single submitter. Criteria: LabCorp Variant Classification Summary - May 2015. Collection method: clinical testing. Allele origin: germline.
Comment: Variant summary: The RYR2 c.9666C>T (p.Ala3222Ala) variant involves the alteration of a non-conserved nucleotide, resulting in a synonymous change. One in silico tool predicts a damaging outcome for this variant. 5/5 splice prediction tools predict no significant impact on normal splicing. ESE finder predicts that this variant may affect ESE site of SF2/ASF. However, these predictions have yet to be confirmed by functional studies. This variant was found in 108/120666 control chromosomes, predominantly observed in the African subpopulation at a frequency of 0.0100082 (98/9792). This frequency is about 182 times the estimated maximal expected allele frequency of a pathogenic RYR2 variant (0.000055), suggesting this is likely a benign polymorphism found primarily in the populations of African origin. In addition, multiple clinical diagnostic laboratories classified this variant as benign. The variant of interest has not, to our knowledge, been reported in affected individuals via publications and/or reputable databases/clinical diagnostic laboratories; nor evaluated for functional impact by in vivo/vitro studies. Taken together, this variant is classified as benign.

CHEO Genetics Diagnostic Laboratory, Children's Hospital of Eastern Ontario
Classification: Benign for Cardiomyopathy. Last evaluated: 2016-06-06. Review status: criteria provided, single submitter. Criteria: ACMG Guidelines, 2015. Collection method: clinical testing. Allele origin: germline. Study: Canadian Open Genetics Repository.

Ambry Genetics
Classification: Benign for Cardiovascular phenotype. Last evaluated: 2015-08-19. Review status: criteria provided, single submitter. Criteria: Ambry Variant Classification Scheme 2023. Collection method: clinical testing. Allele origin: germline.

GeneDx
Classification: Benign. Last evaluated: 2015-03-03. Review status: criteria provided, single submitter. Criteria: GeneDx Variant Classification Process June 2021. Collection method: clinical testing. Allele origin: germline. Affected: yes.

Laboratory for Molecular Medicine, Mass General Brigham Personalized Medicine
Classification: Benign. Last evaluated: 2012-03-19. Review status: criteria provided, single submitter. Criteria: LMM Criteria. Collection method: clinical testing. Allele origin: germline. Observed: 3 variant alleles.
Comment: p.Ala3222Ala in Exon 68 of RYR2: This variant is not expected to have clinical s ignificance because it does not alter an amino acid residue, is not located with in the splice consensus sequence and has been identified in 1.0% (34/3260) of Af rican American chromosomes from a broad population by the NHLBI Exome Sequencing Project (dbSNP rs116442127).

Clinical Genetics DNA and cytogenetics Diagnostics Lab, Erasmus MC, Erasmus Medical Center
Classification: Benign. Review status: no assertion criteria provided. Collection method: clinical testing. Allele origin: germline. Affected: yes. Study: VKGL Data-share Consensus. Not counted in ClinVar's aggregate classification.

Genome Diagnostics Laboratory, University Medical Center Utrecht
Classification: Benign. Review status: no assertion criteria provided. Collection method: clinical testing. Allele origin: germline. Affected: yes. Study: VKGL Data-share Consensus. Not counted in ClinVar's aggregate classification.

NM_001035.3(RYR2):c.9666C>T (p.Ala3222=)

Gene: RYR2 (ryanodine receptor 2; plus strand). Cytogenetic location: 1q43.
Variant type: single nucleotide variant.
Coding change: c.9666C>T on transcript NM_001035.3 (MANE Select); coding-DNA position 9666, C replaced by T.
Protein change: p.Ala3222=; no amino-acid change (alanine 3222 retained).
Molecular consequence: synonymous variant.
Genome position (GRCh38, 1-based): chr1:237,707,034, C>T. VCF-style: chr1-237707034-C-T. GRCh37 (hg19) VCF-style: chr1-237870334-C-T.
Other names: p.Ala3222=.
Identifiers: ClinVar variation 165111 (VCV000165111.41), dbSNP rs116442127, ClinGen allele CA011299.